The following is an entry in ClinVar:

NM_020778.5(ALPK3):c.4268C>T (p.Ala1423Val)

Gene: ALPK3 (alpha kinase 3; plus strand). Cytogenetic location: 15q25.3.
Variant type: single nucleotide variant.
Coding change: c.4268C>T on transcript NM_020778.5 (MANE Select); coding-DNA position 4268, C replaced by T.
Protein change: p.Ala1423Val; replaces alanine 1423 with valine.
Molecular consequence: missense variant.
Genome position (GRCh38, 1-based): chr15:84,862,773, C>T. VCF-style: chr15-84862773-C-T. GRCh37 (hg19) VCF-style: chr15-85406004-C-T.
Other names: short protein forms A1423V.
Identifiers: ClinVar variation 2827398 (VCV002827398.3), dbSNP rs2505727485, ClinGen allele CA393362979.

ClinVar aggregate classification (germline): Uncertain significance (1 of 4 stars; one submission).

Submission:

Labcorp Genetics (formerly Invitae), Labcorp
Classification: Uncertain significance. Last evaluated: 2023-01-10. Review status: criteria provided, single submitter. Criteria: Invitae Variant Classification Sherloc (09022015). Collection method: clinical testing. Allele origin: germline.
Comment: This sequence change replaces alanine, which is neutral and non-polar, with valine, which is neutral and non-polar, at codon 1625 of the ALPK3 protein (p.Ala1625Val). This variant is not present in population databases (gnomAD no frequency). This variant has not been reported in the literature in individuals affected with ALPK3-related conditions. Algorithms developed to predict the effect of missense changes on protein structure and function are either unavailable or do not agree on the potential impact of this missense change (SIFT: "Deleterious"; PolyPhen-2: "Probably Damaging"; Align-GVGD: "Class C0"). In summary, the available evidence is currently insufficient to determine the role of this variant in disease. Therefore, it has been classified as a Variant of Uncertain Significance.